The following is an entry in ClinVar:

NM_147127.5(EVC2):c.3552G>T (p.Arg1184Ser)

Gene: EVC2 (EvC ciliary complex subunit 2; minus strand). Cytogenetic location: 4p16.2.
Variant type: single nucleotide variant.
Coding change: c.3552G>T on transcript NM_147127.5 (MANE Select); coding-DNA position 3552, G replaced by T.
Protein change: p.Arg1184Ser; replaces arginine 1184 with serine.
Molecular consequence: missense variant.
Genome position (GRCh38, 1-based): chr4:5,568,449, C>A on the plus strand (G>T on the coding strand, the complement: EVC2 is on the minus strand). VCF-style: chr4-5568449-C-A. GRCh37 (hg19) VCF-style: chr4-5570176-C-A.
Other names: c.3312G>T, p.Arg1104Ser (NM_001166136.2); short protein forms R1104S, R1184S.
Identifiers: ClinVar variation 2062564 (VCV002062564.3), dbSNP rs1376155432, ClinGen allele CA356148857.
Genomic context (GRCh38, chr4:5,568,449, plus strand): 5'-GGGACCCTTGTGGACAGGGACGTGCCCCGGGAGGCAGCCCCTCCACGGCACTCACCTCCG[C>A]CTGCCCACGTCGGCCTGCTCCGCTCCGCCATCGCTCTCAGCTGCGTGGTCCACATGTCTC-3'
Protein context (NP_667338.3, residues 1174-1194): DGGAEQADVG[Arg1184Ser]RRKHQSWWQA

ClinVar aggregate classification (germline): Uncertain significance (1 of 4 stars; one submission).

Conditions:
Curry-Hall syndrome (WAD). Also called: WEYERS ACRODENTAL DYSOSTOSIS. Identifiers: Orphanet 952, MedGen C0457013, MONDO:0008673, OMIM 193530.
Ellis-van Creveld syndrome (EVC). Also called: Chondroectodermal dysplasia; MESOECTODERMAL DYSPLASIA; EVC-Related Ellis-van Creveld Syndrome; EVC2-Related Ellis-van Creveld Syndrome. Identifiers: Orphanet 289, MedGen C0013903, MONDO:0009162, OMIM 225500.

Allele frequency attached by ClinVar (database versions not stated): gnomAD 0.00001; gnomAD exomes 0.00001; TOPMed 0.00002.
gnomAD v4.1: 5 of 1,555,952 alleles (0.00032%); highest among the groups gnomAD compares: Non-Finnish European, 0.00043%; no homozygotes.

Submission:

Labcorp Genetics (formerly Invitae), Labcorp
Classification: Uncertain significance for Curry-Hall syndrome; Ellis-van Creveld syndrome. Last evaluated: 2023-12-04. Review status: criteria provided, single submitter. Criteria: Invitae Variant Classification Sherloc (09022015). Collection method: clinical testing. Allele origin: germline.
Comment: This sequence change replaces arginine, which is basic and polar, with serine, which is neutral and polar, at codon 1184 of the EVC2 protein (p.Arg1184Ser). This variant is not present in population databases (gnomAD no frequency). This variant has not been reported in the literature in individuals affected with EVC2-related conditions. ClinVar contains an entry for this variant (Variation ID: 2062564). An algorithm developed to predict the effect of missense changes on protein structure and function (PolyPhen-2) suggests that this variant¬¨‚Ä†is likely to be tolerated. In summary, the available evidence is currently insufficient to determine the role of this variant in disease. Therefore, it has been classified as a Variant of Uncertain Significance.